The following is an entry in ClinVar:

NM_014915.3(ANKRD26):c.4978A>T (p.Ile1660Leu)

Gene: ANKRD26 (ankyrin repeat domain containing 26; minus strand). Cytogenetic location: 10p12.1.
Variant type: single nucleotide variant.
Coding change: c.4978A>T on transcript NM_014915.3 (MANE Select); coding-DNA position 4978, A replaced by T.
Protein change: p.Ile1660Leu; replaces isoleucine 1660 with leucine.
Molecular consequence: missense variant.
Genome position (GRCh38, 1-based): chr10:27,006,938, T>A on the plus strand (A>T on the coding strand, the complement: ANKRD26 is on the minus strand). VCF-style: chr10-27006938-T-A. GRCh37 (hg19) VCF-style: chr10-27295867-T-A.
Other names: c.4975A>T, p.Ile1659Leu (NM_001256053.2); short protein forms I1659L, I1660L.
Identifiers: ClinVar variation 3872024 (VCV003872024.1).
Genomic context (GRCh38, chr10:27,006,938, plus strand): 5'-AATTAATCTAAATTTAATTCATGAAGTTTGGCAACATACCTTCTTTGAGTTCTCTAGTTA[T>A]ATTTTTTTCCAACTCCTGCTGCATCTGAAAAAAGTCAAATGTTATTTATAATGTTTAAGT-3'
Protein context (NP_055730.2, residues 1650-1670): SKMQQELEKN[Ile1660Leu]TRELKEAAAE

ClinVar aggregate classification (germline): Uncertain significance (1 of 4 stars; one submission).

Conditions:
Inborn genetic diseases. Identifiers: MedGen C0950123, MeSH D030342.

gnomAD v4.1: 5 of 1,610,248 alleles (0.00031%); highest among the groups gnomAD compares: South Asian, 0.0055%; no homozygotes.

Submission:

Ambry Genetics
Classification: Uncertain significance for Inborn genetic diseases. Last evaluated: 2025-03-04. Review status: criteria provided, single submitter. Criteria: Ambry Variant Classification Scheme 2023. Collection method: clinical testing. Allele origin: germline.
Comment: The p.I1660L variant (also known as c.4978A>T), located in coding exon 33 of the ANKRD26 gene, results from an A to T substitution at nucleotide position 4978. The isoleucine at codon 1660 is replaced by leucine, an amino acid with highly similar properties. This amino acid position is conserved. In addition, this alteration is predicted to be tolerated by in silico analysis. Based on the available evidence, the clinical significance of this variant remains unclear.